The following is an entry in ClinVar:

ClinVar aggregate classification (germline): Uncertain significance (1 of 4 stars; one submission).

Conditions:
Nemaline myopathy 6 (NEM6). Also called: Nemaline myopathy 6, autosomal dominant. Identifiers: Orphanet 171439, MedGen C1836472, MONDO:0012237, OMIM 609273.

Submission:

Labcorp Genetics (formerly Invitae), Labcorp
Classification: Uncertain significance for Nemaline myopathy 6. Last evaluated: 2025-11-03. Review status: criteria provided, single submitter. Criteria: Invitae Variant Classification Sherloc (09022015). Collection method: clinical testing. Allele origin: germline.
Comment: This sequence change affects codon 45 of the KBTBD13 mRNA. It is a 'silent' change, meaning that it does not change the encoded amino acid sequence of the KBTBD13 protein. This variant is present in population databases (no rsID available, gnomAD 0.006%). This variant has not been reported in the literature in individuals affected with KBTBD13-related conditions. Experimental studies and prediction algorithms are not available or were not evaluated, and the effect of this variant on mRNA splicing is currently unknown. In summary, the available evidence is currently insufficient to determine the role of this variant in disease. Therefore, it has been classified as a Variant of Uncertain Significance.

NM_001101362.3(KBTBD13):c.135A>T (p.Ala45=)

Gene: KBTBD13 (kelch repeat and BTB domain containing 13; plus strand). Cytogenetic location: 15q22.31.
Variant type: single nucleotide variant.
Coding change: c.135A>T on transcript NM_001101362.3 (MANE Select); coding-DNA position 135, A replaced by T.
Protein change: p.Ala45=; no amino-acid change (alanine 45 retained).
Molecular consequence: synonymous variant.
Genome position (GRCh38, 1-based): chr15:65,076,950, A>T. VCF-style: chr15-65076950-A-T. GRCh37 (hg19) VCF-style: chr15-65369288-A-T.
Identifiers: ClinVar variation 4739010 (VCV004739010.1).